The following is an entry in ClinVar:

NM_001110556.2(FLNA):c.7024-9T>C

Gene: FLNA (filamin A; minus strand). Cytogenetic location: Xq28.
Variant type: single nucleotide variant.
Coding change: c.7024-9T>C on transcript NM_001110556.2 (MANE Select); 9 bases into the intron before coding-DNA position 7024, T replaced by C.
Molecular consequence: intron variant.
Genome position (GRCh38, 1-based): chrX:154,351,050, A>G on the plus strand (T>C on the coding strand, the complement: FLNA is on the minus strand). VCF-style: chrX-154351050-A-G. GRCh37 (hg19) VCF-style: chrX-153579418-A-G.
Other names: c.7000-9T>C (NM_001456.4).
Identifiers: ClinVar variation 4782673 (VCV004782673.2).

ClinVar aggregate classification (germline): Conflicting classifications of pathogenicity. Review status: criteria provided, conflicting classifications (1 of 4 stars). 2 submissions from 2 submitters: Uncertain significance (1); Likely benign (1). Last evaluated 2026-03-27.

Conditions:
Melnick-Needles syndrome (MNS). Also called: MELNICK-NEEDLES OSTEODYSPLASTY; OSTEODYSPLASTY OF MELNICK AND NEEDLES; Melnick-Needles Syndrome (FLNA-MNS). Identifiers: Orphanet 2484, MedGen C0025237, MONDO:0010650, OMIM 309350.
Frontometaphyseal dysplasia (FMD1). Identifiers: Orphanet 1826, MedGen C0265293, MONDO:0015942.
Heterotopia, periventricular, X-linked dominant (PVNH1). Also called: PERIVENTRICULAR NODULAR HETEROTOPIA 1; X-linked periventricular heterotopia; PERIVENTRICULAR NODULAR HETEROTOPIA 4; HETEROTOPIA, PERIVENTRICULAR, 1. Identifiers: Orphanet 2149, Orphanet 82004, MedGen C1848213, MONDO:0010233, OMIM 300049.
Oto-palato-digital syndrome, type II (OPD2). Also called: FACIOPALATOOSSEOUS SYNDROME; OPD II SYNDROME; Otopalatodigital Syndrome, Type II; Otopalatodigital Syndrome Type 2 (FLNA-OPD2). Identifiers: Orphanet 669, Orphanet 90652, MedGen C1844696, MONDO:0010571, OMIM 304120.

Submissions (2):

GeneDx
Classification: Uncertain significance. Last evaluated: 2026-03-27. Review status: criteria provided, single submitter. Criteria: GeneDx Variant Classification Process June 2021. Collection method: clinical testing. Allele origin: germline.
Comment: Not observed at significant frequency in large population cohorts (gnomAD); Has not been previously published as pathogenic or benign to our knowledge; In silico analysis suggests this variant may impact gene splicing. In the absence of RNA/functional studies, the actual effect of this sequence change is unknown.

Labcorp Genetics (formerly Invitae), Labcorp
Classification: Likely benign for Oto-palato-digital syndrome, type II; Heterotopia, periventricular, X-linked dominant; Frontometaphyseal dysplasia; Melnick-Needles syndrome. Last evaluated: 2025-12-17. Review status: criteria provided, single submitter. Criteria: Invitae Variant Classification Sherloc (09022015). Collection method: clinical testing. Allele origin: germline.